The following is an entry in ClinVar:

NM_015681.6(B9D1):c.11C>G (p.Ala4Gly)

Genes: B9D1 (B9 domain containing 1; minus strand), LOC130060455 (ATAC-STARR-seq lymphoblastoid silent region 8288; plus strand). Cytogenetic location: 17p11.2.
Variant type: single nucleotide variant.
Coding change: c.11C>G on transcript NM_015681.6 (MANE Select); coding-DNA position 11, C replaced by G.
Protein change: p.Ala4Gly; replaces alanine 4 with glycine.
Molecular consequence: missense variant. On other transcripts: intron variant (1).
Genome position (GRCh38, 1-based): chr17:19,362,559, G>C on the plus strand (C>G on the coding strand, the complement: B9D1 is on the minus strand). VCF-style: chr17-19362559-G-C. GRCh37 (hg19) VCF-style: chr17-19265872-G-C.
Other names: c.11C>G, p.Ala4Gly (NM_001321214.2, NM_001321215.3, NM_001321216.2 and 4 more transcripts); c.-297-2171C>G (NM_001368769.2); c.11C>G (NM_015681.3); short protein forms A4G.
Identifiers: ClinVar variation 1041616 (VCV001041616.6), dbSNP rs148563865, ClinGen allele CA8440399.

ClinVar aggregate classification (germline): Uncertain significance. Review status: criteria provided, multiple submitters, no conflicts (2 of 4 stars). 3 submissions from 3 submitters: Uncertain significance (3). Last evaluated 2025-07-24.

Conditions:
Joubert syndrome. Also called: Familial aplasia of the vermis; CEREBELLOPARENCHYMAL DISORDER IV; JOUBERT-BOLTSHAUSER SYNDROME. Identifiers: Orphanet 475, MedGen C5979921, MONDO:0018772.
Meckel-Gruber syndrome. Also called: Dysencephalia splachnocystica; DYSENCEPHALIA SPLANCHNOCYSTICA; GRUBER SYNDROME. Identifiers: Orphanet 564, MedGen C0265215, MONDO:0018921.

Allele frequency attached by ClinVar (database versions not stated): gnomAD exomes 0.00002 and 0.00007; ExAC 0.00011; gnomAD 0.00017 and 0.00019; TOPMed 0.00026; ESP Exome Variant Server 0.00031.
gnomAD v4.1: 52 of 1,589,592 alleles (0.0033%); highest among the groups gnomAD compares: African/African-American, 0.064%; no homozygotes.

Submissions (3):

GeneDx
Classification: Uncertain significance. Last evaluated: 2025-07-24. Review status: criteria provided, single submitter. Criteria: GeneDx Variant Classification Process June 2021. Collection method: clinical testing. Allele origin: germline. Affected: yes.
Comment: In silico analysis suggests that this missense variant does not alter protein structure/function; Has not been previously published as pathogenic or benign to our knowledge

Labcorp Genetics (formerly Invitae), Labcorp
Classification: Uncertain significance for Joubert syndrome; Meckel-Gruber syndrome. Last evaluated: 2022-11-03. Review status: criteria provided, single submitter. Criteria: Invitae Variant Classification Sherloc (09022015). Collection method: clinical testing. Allele origin: germline.
Comment: This sequence change replaces alanine, which is neutral and non-polar, with glycine, which is neutral and non-polar, at codon 4 of the B9D1 protein (p.Ala4Gly). This variant is present in population databases (rs148563865, gnomAD 0.08%). This variant has not been reported in the literature in individuals affected with B9D1-related conditions. ClinVar contains an entry for this variant (Variation ID: 1041616). Algorithms developed to predict the effect of missense changes on protein structure and function output the following: SIFT: "Tolerated"; PolyPhen-2: "Benign"; Align-GVGD: "Class C0". The glycine amino acid residue is found in multiple mammalian species, which suggests that this missense change does not adversely affect protein function. In summary, the available evidence is currently insufficient to determine the role of this variant in disease. Therefore, it has been classified as a Variant of Uncertain Significance.

Breakthrough Genomics
Classification: Uncertain significance. Review status: criteria provided, single submitter. Criteria: ACMG Guidelines, 2015. Collection method: not provided. Allele origin: germline. Inheritance: Autosomal recessive inheritance. Affected: yes.